The following is an entry in ClinVar:

ClinVar aggregate classification (germline): Uncertain significance (1 of 4 stars; one submission).

Conditions:
Xanthinuria type II. Also called: Xanthine dehydrogenase and aldehyde oxidase combined deficiency of; XDH and AOX dual deficiency. Identifiers: Orphanet 3467, Orphanet 93602, MedGen C1863688, MONDO:0011346, OMIM 603592.

Allele frequency attached by ClinVar (database versions not stated): gnomAD exomes 0.00001.
gnomAD v4.1: 13 of 1,613,788 alleles (0.00081%); highest among the groups gnomAD compares: Non-Finnish European, 0.0011%; no homozygotes.

Submission:

Labcorp Genetics (formerly Invitae), Labcorp
Classification: Uncertain significance for Xanthinuria type II. Last evaluated: 2022-04-17. Review status: criteria provided, single submitter. Criteria: Invitae Variant Classification Sherloc (09022015). Collection method: clinical testing. Allele origin: germline.
Comment: In summary, the available evidence is currently insufficient to determine the role of this variant in disease. Therefore, it has been classified as a Variant of Uncertain Significance. Algorithms developed to predict the effect of sequence changes on RNA splicing suggest that this variant may disrupt the consensus splice site. This variant has not been reported in the literature in individuals affected with XDH-related conditions. This variant is present in population databases (no rsID available, gnomAD 0.007%). This sequence change affects codon 561 of the XDH mRNA. It is a 'silent' change, meaning that it does not change the encoded amino acid sequence of the XDH protein.

NM_000379.4(XDH):c.1683C>T (p.Phe561=)

Gene: XDH (xanthine dehydrogenase; minus strand). Cytogenetic location: 2p23.1.
Variant type: single nucleotide variant.
Coding change: c.1683C>T on transcript NM_000379.4 (MANE Select); coding-DNA position 1683, C replaced by T.
Protein change: p.Phe561=; no amino-acid change (phenylalanine 561 retained).
Molecular consequence: synonymous variant.
Genome position (GRCh38, 1-based): chr2:31,373,876, G>A on the plus strand (C>T on the coding strand, the complement: XDH is on the minus strand). VCF-style: chr2-31373876-G-A. GRCh37 (hg19) VCF-style: chr2-31596742-G-A.
Identifiers: ClinVar variation 2427913 (VCV002427913.7), dbSNP rs944974814, ClinGen allele CA425446952.